The following is an entry in ClinVar:

NM_001292063.2(OTOG):c.291C>T (p.Ser97=)

Gene: OTOG (otogelin; plus strand). Cytogenetic location: 11p15.1.
Variant type: single nucleotide variant.
Coding change: c.291C>T on transcript NM_001292063.2 (MANE Select); coding-DNA position 291, C replaced by T.
Protein change: p.Ser97=; no amino-acid change (serine 97 retained).
Molecular consequence: synonymous variant.
Genome position (GRCh38, 1-based): chr11:17,552,074, C>T. VCF-style: chr11-17552074-C-T. GRCh37 (hg19) VCF-style: chr11-17573621-C-T.
Other names: c.327C>T, p.Ser109= (NM_001277269.2).
Identifiers: ClinVar variation 2963650 (VCV002963650.3), dbSNP rs1261299676, ClinGen allele CA473305469.
Genomic context (GRCh38, chr11:17,552,074, plus strand): 5'-AGACTCCGTGGCCATGTCTTCCTGGGAAAGGCGGCTCCATCGGGCCAAGTGTGCACCATC[C>T]TGTAAGTGGCACCTTCACTGTGGTCCATGGGTTGTGCATGGGAGAGCCCTGGCAGAGGCC-3'
Protein context (NP_001278992.1, residues 87-107): RRLHRAKCAP[Ser97=]YLFSCFNGGE

ClinVar aggregate classification (germline): Uncertain significance (1 of 4 stars; one submission).

Allele frequency attached by ClinVar (database versions not stated): TOPMed 0.00002; gnomAD 0.00006.
gnomAD v4.1: 102 of 1,550,340 alleles (0.0066%); highest among the groups gnomAD compares: Non-Finnish European, 0.0085%; no homozygotes.

Submission:

Labcorp Genetics (formerly Invitae), Labcorp
Classification: Uncertain significance. Last evaluated: 2023-08-28. Review status: criteria provided, single submitter. Criteria: Invitae Variant Classification Sherloc (09022015). Collection method: clinical testing. Allele origin: germline.
Comment: This sequence change affects codon 109 of the OTOG mRNA. It is a 'silent' change, meaning that it does not change the encoded amino acid sequence of the OTOG protein. It affects a nucleotide within the consensus splice site. This variant is present in population databases (no rsID available, gnomAD 0.01%). This variant has not been reported in the literature in individuals affected with OTOG-related conditions. Algorithms developed to predict the effect of sequence changes on RNA splicing suggest that this variant is not likely to affect RNA splicing. In summary, the available evidence is currently insufficient to determine the role of this variant in disease. Therefore, it has been classified as a Variant of Uncertain Significance.